The following is an entry in ClinVar:

ClinVar aggregate classification (germline): Benign/Likely benign (0 of 4 stars; one submission).

Submission:

ISCA Site 6
Classification: Benign/Likely benign. Review status: no assertion criteria provided. Collection method: clinical testing. Allele origin: unknown. Affected: yes. Observed: 2 variant alleles.
Comment: Likely benign (1), Benign (1)

Copy number variation identified through the course of routine clinical cytogenomic testing in postnatal populations, with clinical assertions as classified by the original submitter. For data from the original published study, Kaminsky, et al. 2011 (PubMed 21844811), please see nstd101.

GRCh37/hg19 22q13.2(chr22:42486662-42536651)x3

Genes: CYP2D6 (cytochrome P450 family 2 subfamily D member 6; minus strand), NDUFA6 (NADH:ubiquinone oxidoreductase subunit A6; minus strand). Cytogenetic location: 22q13.2.
Variant type: copy number gain.
Change: copy number 3 (three copies instead of two) of chr22:42,486,662-42,536,651 (50.0 kb, GRCh37 coordinates, 1-based), cytogenetic band 22q13.2.
Identifiers: ClinVar variation 395346 (VCV000395346.3).